The following is an entry in ClinVar:

ClinVar aggregate classification (germline): Likely benign. Review status: criteria provided, multiple submitters, no conflicts (2 of 4 stars). 3 submissions from 3 submitters: Likely benign (3). Last evaluated 2026-06-20.

Conditions:
Long QT syndrome (LQTS). Identifiers: MedGen C0023976, MeSH D008133, MONDO:0002442. Disease mechanism: loss of function. Inheritance: Various modes of inheritance.
CACNA1C-related disorder. Also called: CACNA1C-related condition; CACNA1C-related disorders. Identifiers: MedGen CN381092, MONDO:0700321.

Allele frequency attached by ClinVar (database versions not stated): TOPMed 0.00001; gnomAD exomes 0.00002; ExAC 0.00004.
gnomAD v4.1: 46 of 1,589,260 alleles (0.0029%); highest among the groups gnomAD compares: South Asian, 0.0058%; no homozygotes.

Submissions (3):

PreventionGenetics, part of Exact Sciences
Classification: Likely benign for CACNA1C-related condition. Last evaluated: 2026-06-20. Review status: criteria provided, single submitter. Criteria: ACMG Guidelines, 2015. Collection method: clinical testing. Allele origin: germline.
Comment: This variant is classified as likely benign based on ACMG/AMP sequence variant interpretation guidelines (Richards et al. 2015 PMID: 25741868, with internal and published modifications).

Labcorp Genetics (formerly Invitae), Labcorp
Classification: Likely benign for Long QT syndrome. Last evaluated: 2025-09-03. Review status: criteria provided, single submitter. Criteria: Invitae Variant Classification Sherloc (09022015). Collection method: clinical testing. Allele origin: germline.

Blueprint Genetics
Classification: Likely benign. Last evaluated: 2024-11-13. Review status: criteria provided, single submitter. Criteria: ACMG Guidelines, 2015. Collection method: clinical testing. Allele origin: germline.

NM_000719.7(CACNA1C):c.1669+7G>A

Gene: CACNA1C (calcium voltage-gated channel subunit alpha1 C; plus strand). Cytogenetic location: 12p13.33.
Variant type: single nucleotide variant.
Coding change: c.1669+7G>A on transcript NM_000719.7 (MANE Select); 7 bases into the intron after coding-DNA position 1669, G replaced by A.
Molecular consequence: intron variant.
Genome position (GRCh38, 1-based): chr12:2,566,589, G>A. VCF-style: chr12-2566589-G-A. GRCh37 (hg19) VCF-style: chr12-2675755-G-A.
Other names: c.1669+7G>A (NM_001167624.3, NM_001167623.2, NM_001167625.2 and 18 more transcripts); c.1660+7G>A (NM_001129844.2).
Identifiers: ClinVar variation 699066 (VCV000699066.11), dbSNP rs772951246, ClinGen allele CA6388828.